The following is an entry in ClinVar:

NM_001376.5(DYNC1H1):c.12275+1G>A

Gene: DYNC1H1 (dynein cytoplasmic 1 heavy chain 1; plus strand). Cytogenetic location: 14q32.31.
Variant type: single nucleotide variant.
Coding change: c.12275+1G>A on transcript NM_001376.5 (MANE Select); the canonical splice donor site of the intron after coding-DNA position 12275, G replaced by A.
Molecular consequence: splice donor variant.
Genome position (GRCh38, 1-based): chr14:102,042,289, G>A. VCF-style: chr14-102042289-G-A. GRCh37 (hg19) VCF-style: chr14-102508626-G-A.
Identifiers: ClinVar variation 3366012 (VCV003366012.1).

ClinVar aggregate classification (germline): Uncertain significance (1 of 4 stars; one submission).

Submission:

GeneDx
Classification: Uncertain significance. Last evaluated: 2023-10-15. Review status: criteria provided, single submitter. Criteria: GeneDx Variant Classification Process June 2021. Collection method: clinical testing. Allele origin: germline. Affected: yes.
Comment: Canonical splice site variant in a gene or region of a gene for which loss of function is not a well-established mechanism of disease; Not observed at significant frequency in large population cohorts (gnomAD); Has not been previously published as pathogenic or benign to our knowledge